The following is an entry in ClinVar:

ClinVar aggregate classification (germline): Conflicting classifications of pathogenicity. Review status: criteria provided, conflicting classifications (1 of 4 stars). 3 submissions from 3 submitters: Pathogenic (1); Likely pathogenic (1); Uncertain significance (1). Last evaluated 2025-06-25.

Conditions:
Methylmalonic aciduria, cblA type (MACA). Also called: Methylmalonic aciduria, vitamin b12-responsive, due to defect in synthesis of adenosylcobalamin, cbla complementation type; MMA cbl A type; Methylmalonic acidemia cblA type; Vitamin B12-responsive methylmalonic acidemia type cblA; Methylmalonic aciduria, vitamin B12-responsive. Identifiers: Orphanet 28, Orphanet 79310, MedGen C1855109, MONDO:0009613, OMIM 251100.

Submissions (3):

Labcorp Genetics (formerly Invitae), Labcorp
Classification: Uncertain significance for Methylmalonic aciduria, cblA type. Last evaluated: 2025-06-25. Review status: criteria provided, single submitter. Criteria: Invitae Variant Classification Sherloc (09022015). Collection method: clinical testing. Allele origin: germline.
Comment: This variant, c.298_312del, results in the deletion of 5 amino acid(s) of the MMAA protein (p.Cys100_Ala104del), but otherwise preserves the integrity of the reading frame. This variant is present in population databases (rs780082584, gnomAD 0.003%). This variant has been observed in individual(s) with methylmalonic aciduria cobalamin A type (PMID: 28497574, 32754920). ClinVar contains an entry for this variant (Variation ID: 440799). In summary, the available evidence is currently insufficient to determine the role of this variant in disease. Therefore, it has been classified as a Variant of Uncertain Significance.

Baylor Genetics
Classification: Likely pathogenic for Methylmalonic aciduria, cblA type. Last evaluated: 2024-03-30. Review status: criteria provided, single submitter. Criteria: ACMG Guidelines, 2015. Collection method: clinical testing. Allele origin: unknown.

University Children's Hospital, University of Zurich
Classification: Pathogenic for Methylmalonic aciduria, cblA type. Review status: criteria provided, single submitter. Criteria: ZB-IEM Variant Assertion Criteria. Collection method: clinical testing. Allele origin: germline. Affected: yes. Observed: 2 variant alleles.

Literature cited by the submitters: PubMed 28497574 (cited by Labcorp Genetics (formerly Invitae), Labcorp); PubMed 32754920 (cited by Labcorp Genetics (formerly Invitae), Labcorp).

NM_172250.3(MMAA):c.298_312del (p.Cys100_Ala104del)

Gene: MMAA (metabolism of cobalamin associated A; plus strand). Cytogenetic location: 4q31.21.
Variant type: Deletion.
Coding change: c.298_312del on transcript NM_172250.3 (MANE Select); coding-DNA positions 298 to 312, 15 bases deleted (TGTTTAGCAGAGGCC).
Protein change: p.Cys100_Ala104del.
Molecular consequence: inframe deletion.
Genome position (GRCh38, 1-based): chr4:145,639,437-145,639,451, TGTTTAGCAGAGGCC deleted; deleting any 15 consecutive bases within chr4:145,639,433-145,639,451 gives the same sequence; the c. name uses the placement nearest the transcript's 3' end. VCF-style (leftmost placement, unchanged base first): chr4-145639432-GGGCCTGTTTAGCAGA-G. GRCh37 (hg19) VCF-style: chr4-146560584-GGGCCTGTTTAGCAGA-G.
Identifiers: ClinVar variation 440799 (VCV000440799.5), dbSNP rs780082584, ClinGen allele CA3095149.